The following is an entry in ClinVar:

ClinVar aggregate classification (germline): Uncertain significance. Review status: criteria provided, multiple submitters, no conflicts (2 of 4 stars). 2 submissions from 2 submitters: Uncertain significance (2). Last evaluated 2026-01-02.

Conditions:
Wilms tumor 1 (WT1). Also called: Wilms tumor, somatic. Identifiers: Orphanet 654, MedGen CN033288, MONDO:0008679, OMIM 194070.
Simpson-Golabi-Behmel syndrome type 1 (SGBS1). Also called: GOLABI-ROSEN SYNDROME; BULLDOG SYNDROME; DYSPLASIA GIGANTISM SYNDROME, X-LINKED; GPC3-Related Simpson-Golabi-Behmel Syndrome Type 1; SIMPSON DYSMORPHIA SYNDROME. Identifiers: Orphanet 373, MedGen C0796154, MONDO:0020602, OMIM 312870.

Allele frequency attached by ClinVar (database versions not stated): gnomAD exomes below 0.00001; gnomAD 0.00001; TOPMed 0.00002.
gnomAD v4.1: 2 of 1,209,595 alleles (0.00017%); highest among the groups gnomAD compares: African/African-American, 0.0017%; no homozygotes.

Submissions (3):

Labcorp Genetics (formerly Invitae), Labcorp
Classification: Uncertain significance for Wilms tumor 1. Last evaluated: 2026-01-02. Review status: criteria provided, single submitter. Criteria: Invitae Variant Classification Sherloc (09022015). Collection method: clinical testing. Allele origin: germline.
Comment: This sequence change affects codon 58 of the GPC3 mRNA. It is a 'silent' change, meaning that it does not change the encoded amino acid sequence of the GPC3 protein. It affects a nucleotide within the consensus splice site. This variant is not present in population databases (gnomAD no frequency). This variant has not been reported in the literature in individuals affected with GPC3-related conditions. ClinVar contains an entry for this variant (Variation ID: 1422816). Algorithms developed to predict the effect of sequence changes on RNA splicing suggest that this variant may disrupt the consensus splice site. In summary, the available evidence is currently insufficient to determine the role of this variant in disease. Therefore, it has been classified as a Variant of Uncertain Significance.

Fulgent Genetics
Classification: Uncertain significance for Wilms tumor 1; Simpson-Golabi-Behmel syndrome type 1. Last evaluated: 2024-04-20. Review status: criteria provided, single submitter. Criteria: ACMG Guidelines, 2015. Collection method: clinical testing. Allele origin: germline.

Dr. Peter K. Rogan Lab, Western University
No classification provided (evidence only). Condition: Thyroid cancer, nonmedullary, 1. Review status: no classification provided. Collection method: in vitro. Allele origin: not applicable. Functional consequence: retained intron. Not counted in ClinVar's aggregate classification.

NM_004484.4(GPC3):c.174A>G (p.Pro58=)

Gene: GPC3 (glypican 3; minus strand). Cytogenetic location: Xq26.2.
Variant type: single nucleotide variant.
Coding change: c.174A>G on transcript NM_004484.4 (MANE Select); coding-DNA position 174, A replaced by G.
Protein change: p.Pro58=; no amino-acid change (proline 58 retained).
Molecular consequence: synonymous variant.
Genome position (GRCh38, 1-based): chrX:133,985,276, T>C on the plus strand (A>G on the coding strand, the complement: GPC3 is on the minus strand). VCF-style: chrX-133985276-T-C. GRCh37 (hg19) VCF-style: chrX-133119303-T-C.
Other names: c.174A>G, p.Pro58= (NM_001164617.2, NM_001164618.2, NM_001164619.2).
Identifiers: ClinVar variation 1422816 (VCV001422816.8), dbSNP rs1357590429, ClinGen allele CA518636124.